The following is an entry in ClinVar:

ClinVar aggregate classification (germline): Likely pathogenic (1 of 4 stars; one submission).

Conditions:
Microcephaly 5, primary, autosomal recessive (MCPH5). Also called: ASPM Primary Microcephaly. Identifiers: Orphanet 2512, MedGen C1837501, MONDO:0012106, OMIM 608716.

Submission:

Centre of Medical Genetics, University Hospital Muenster
Classification: Likely pathogenic for Microcephaly 5, primary, autosomal recessive. Last evaluated: 2020-02-18. Review status: criteria provided, single submitter. Criteria: ACMG Guidelines, 2015. Collection method: clinical testing. Allele origin: germline. Affected: yes. Observed: 1 variant allele, 1 heterozygote.
Comment: ACMG categories: PVS1,PM2

NM_018136.5(ASPM):c.6115_6118del (p.Lys2038_Arg2039insTer)

Gene: ASPM (assembly factor for spindle microtubules; minus strand). Cytogenetic location: 1q31.3.
Variant type: Deletion.
Coding change: c.6115_6118del on transcript NM_018136.5 (MANE Select); coding-DNA positions 6115 to 6118, 4 bases deleted (AGAA; older notation c.6115_6118delAGAA).
Protein change: p.Lys2038_Arg2039insTer.
Molecular consequence: nonsense. On other transcripts: intron variant (1).
Genome position (GRCh38, 1-based): chr1:197,103,133-197,103,136, TTCT deleted on the plus strand (AGAA on the coding strand, the reverse complement: ASPM is on the minus strand); deleting any 4 consecutive bases within chr1:197,103,133-197,103,138 gives the same sequence; the c. name uses the placement nearest the transcript's 3' end. VCF-style (leftmost placement, unchanged base first): chr1-197103132-ATTCT-A. GRCh37 (hg19) VCF-style: chr1-197072262-ATTCT-A.
Other names: c.4066-6972_4066-6969del (NM_001206846.2).
Identifiers: ClinVar variation 1675190 (VCV001675190.2), dbSNP rs2125095313, ClinGen allele CA2573131635.
Genomic context (GRCh38, chr1:197,103,132, plus strand): 5'-TTGGTTTTGTAAGCTCTGTATTTAGACTGTATAGTGACTGCTGCTTTGTTGCAATCCTTT[ATTCT>A]TTTTCTCACTTTCATACCACGATAAGCTGACTGTAAAGTTACTACAGCTGCTTTTGTTTT-3'